The following is an entry in ClinVar:

NM_000091.5(COL4A3):c.864del (p.Ala289fs)

Genes: COL4A3 (collagen type IV alpha 3 chain; plus strand), MFF-DT (MFF divergent transcript; minus strand). Cytogenetic location: 2q36.3.
Variant type: Deletion.
Coding change: c.864del on transcript NM_000091.5 (MANE Select); coding-DNA position 864, one base deleted (T; older notation c.864delT).
Protein change: p.Ala289fs; shifts the reading frame from alanine 289.
Molecular consequence: frameshift variant.
Genome position (GRCh38, 1-based): chr2:227,254,691, T deleted. VCF-style (leftmost placement, unchanged base first): chr2-227254690-GT-G. GRCh37 (hg19) VCF-style: chr2-228119406-GT-G.
Other names: short protein forms A289fs.
Identifiers: ClinVar variation 1076300 (VCV001076300.7), dbSNP rs2125936439, ClinGen allele CA2499215743.
Genomic context (GRCh38, chr2:227,254,690, plus strand): 5'-ATTTGACATGGCTCTAATTAATACAGGGACTGCCTGGAGAATCATATGGATCTGAAAAGG[GT>G]GCTCCTGGAGACCCTGGCCTGCAGGTAAATTTGGAAATTCGGTGTCATGTGCAGTTTTGA-3'

ClinVar aggregate classification (germline): Pathogenic (1 of 4 stars; one submission).

Submission:

Labcorp Genetics (formerly Invitae), Labcorp
Classification: Pathogenic. Last evaluated: 2020-05-27. Review status: criteria provided, single submitter. Criteria: Invitae Variant Classification Sherloc (09022015). Collection method: clinical testing. Allele origin: germline.
Comment: This variant is not present in population databases (ExAC no frequency). This variant has not been reported in the literature in individuals with COL4A3-related conditions. Loss-of-function variants in COL4A3 are known to be pathogenic (PMID: 8956999, 24854265). For these reasons, this variant has been classified as Pathogenic. This sequence change creates a premature translational stop signal (p.Ala289Leufs*34) in the COL4A3 gene. It is expected to result in an absent or disrupted protein product.

Literature cited by the submitters: PubMed 8956999; PubMed 24854265.